The following is an entry in ClinVar:

ClinVar aggregate classification (germline): Uncertain significance (1 of 4 stars; one submission).

Conditions:
Intellectual disability. Also called: Intellectual functioning disability; intellectual disabilities; Intellectual developmental disorder. Identifiers: MedGen C3714756, MeSH D008607, MONDO:0001071, HP:0001249.

Submission:

Labcorp Genetics (formerly Invitae), Labcorp
Classification: Uncertain significance for Intellectual disability. Last evaluated: 2023-04-22. Review status: criteria provided, single submitter. Criteria: Invitae Variant Classification Sherloc (09022015). Collection method: clinical testing. Allele origin: germline.
Comment: In summary, the available evidence is currently insufficient to determine the role of this variant in disease. Therefore, it has been classified as a Variant of Uncertain Significance. Advanced modeling of protein sequence and biophysical properties (such as structural, functional, and spatial information, amino acid conservation, physicochemical variation, residue mobility, and thermodynamic stability) has been performed at Invitae for this missense variant, however the output from this modeling did not meet the statistical confidence thresholds required to predict the impact of this variant on GABRB2 protein function. This variant has not been reported in the literature in individuals affected with GABRB2-related conditions. This variant is not present in population databases (gnomAD no frequency). This sequence change replaces arginine, which is basic and polar, with glycine, which is neutral and non-polar, at codon 231 of the GABRB2 protein (p.Arg231Gly).

NM_001371727.1(GABRB2):c.691A>G (p.Arg231Gly)

Gene: GABRB2 (gamma-aminobutyric acid type A receptor subunit beta2; minus strand). Cytogenetic location: 5q34.
Variant type: single nucleotide variant.
Coding change: c.691A>G on transcript NM_001371727.1 (MANE Select); coding-DNA position 691, A replaced by G.
Protein change: p.Arg231Gly; replaces arginine 231 with glycine.
Molecular consequence: missense variant.
Genome position (GRCh38, 1-based): chr5:161,334,893, T>C on the plus strand (A>G on the coding strand, the complement: GABRB2 is on the minus strand). VCF-style: chr5-161334893-T-C. GRCh37 (hg19) VCF-style: chr5-160761900-T-C.
Other names: c.691A>G, p.Arg231Gly (NM_000813.3, NM_021911.3); short protein forms R231G.
Identifiers: ClinVar variation 2855151 (VCV002855151.3), dbSNP rs1462140697, ClinGen allele CA362171789.